The following is an entry in ClinVar:

ClinVar aggregate classification (germline): Uncertain significance (1 of 4 stars; one submission).

Conditions:
Severe combined immunodeficiency due to DNA-PKcs deficiency. Also called: IMMUNODEFICIENCY 26 WITH NEUROLOGIC ABNORMALITIES; Immunodeficiency 26 with or without neurologic abnormalities. Identifiers: Orphanet 317425, MedGen C4014833, MONDO:0014423, OMIM 615966.

Allele frequency attached by ClinVar (database versions not stated): gnomAD 0.00001; gnomAD exomes 0.00001 and 0.00002; ExAC 0.00002; TOPMed 0.00002.
gnomAD v4.1: 28 of 1,611,152 alleles (0.0017%); highest among the groups gnomAD compares: Admixed American, 0.0034%; no homozygotes.

Submission:

Labcorp Genetics (formerly Invitae), Labcorp
Classification: Uncertain significance for Severe combined immunodeficiency due to DNA-PKcs deficiency. Last evaluated: 2022-12-02. Review status: criteria provided, single submitter. Criteria: Invitae Variant Classification Sherloc (09022015). Collection method: clinical testing. Allele origin: germline.
Comment: In summary, the available evidence is currently insufficient to determine the role of this variant in disease. Therefore, it has been classified as a Variant of Uncertain Significance. Algorithms developed to predict the effect of sequence changes on RNA splicing suggest that this variant may disrupt the consensus splice site. Experimental studies and prediction algorithms are not available or were not evaluated, and the functional significance of this variant is currently unknown. ClinVar contains an entry for this variant (Variation ID: 1507523). This variant has not been reported in the literature in individuals affected with PRKDC-related conditions. This variant is present in population databases (rs779025589, gnomAD 0.006%). This sequence change replaces arginine with tryptophan at codon 2069 of the PRKDC protein (p.Arg2069Trp). The arginine residue is moderately conserved and there is a moderate physicochemical difference between arginine and tryptophan.

NM_006904.7(PRKDC):c.6205C>T (p.Arg2069Trp)

Gene: PRKDC (protein kinase, DNA-activated, catalytic subunit; minus strand). Cytogenetic location: 8q11.21.
Variant type: single nucleotide variant.
Coding change: c.6205C>T on transcript NM_006904.7 (MANE Select); coding-DNA position 6205, C replaced by T.
Protein change: p.Arg2069Trp; replaces arginine 2069 with tryptophan.
Molecular consequence: missense variant.
Genome position (GRCh38, 1-based): chr8:47,859,613, G>A on the plus strand (C>T on the coding strand, the complement: PRKDC is on the minus strand). VCF-style: chr8-47859613-G-A. GRCh37 (hg19) VCF-style: chr8-48772174-G-A.
Other names: c.6205C>T, p.Arg2069Trp (NM_001081640.2); short protein forms R2069W.
Identifiers: ClinVar variation 1507523 (VCV001507523.4), dbSNP rs779025589, ClinGen allele CA4740450.